The following is an entry in ClinVar:

ClinVar aggregate classification (germline): Likely benign (1 of 4 stars; one submission).

gnomAD v4.1: 33 of 1,612,760 alleles (0.002%); highest among the groups gnomAD compares: Non-Finnish European, 0.0026%; no homozygotes.

Submission:

CeGaT Center for Human Genetics Tuebingen
Classification: Likely benign. Last evaluated: 2026-04-01. Review status: criteria provided, single submitter. Criteria: CeGaT Center For Human Genetics Tuebingen Variant Classification Criteria Version 2. Collection method: clinical testing. Allele origin: germline. Affected: yes. Observed: 1 variant allele.
Comment: BPTF: BP4

NM_182641.4(BPTF):c.8051C>T (p.Pro2684Leu)

Gene: BPTF (bromodomain PHD finger transcription factor; plus strand). Cytogenetic location: 17q24.2.
Variant type: single nucleotide variant.
Coding change: c.8051C>T on transcript NM_182641.4 (MANE Select); coding-DNA position 8051, C replaced by T.
Protein change: p.Pro2684Leu; replaces proline 2684 with leucine.
Molecular consequence: missense variant.
Genome position (GRCh38, 1-based): chr17:67,959,665, C>T. VCF-style: chr17-67959665-C-T. GRCh37 (hg19) VCF-style: chr17-65955781-C-T.
Other names: c.8000C>T, p.Pro2667Leu (NM_004459.7); short protein forms P2667L, P2684L.
Identifiers: ClinVar variation 3905182 (VCV003905182.10).